The following is an entry in ClinVar:

NM_000180.4(GUCY2D):c.1522GAC[1] (p.Asp509del)

Gene: GUCY2D (guanylate cyclase 2D, retinal; plus strand). Cytogenetic location: 17p13.1.
Variant type: Microsatellite.
Coding change: c.1522GAC[1] on transcript NM_000180.4 (MANE Select); one copy of the 3-base unit GAC starting at c.1522; the reference has two copies in a row; one copy, 3 bases deleted.
Protein change: p.Asp509del; deletes aspartic acid 509.
Molecular consequence: inframe deletion.
Genome position (GRCh38, 1-based): chr17:8,007,487-8,007,489, GAC deleted; deleting any 3 consecutive bases within chr17:8,007,484-8,007,489 gives the same sequence; the position shown is the placement nearest the transcript's 3' end. VCF-style (leftmost placement, unchanged base first): chr17-8007483-GGAC-G. GRCh37 (hg19) VCF-style: chr17-7910801-GGAC-G.
Other names: short protein forms D509del.
Identifiers: ClinVar variation 1377990 (VCV001377990.8), dbSNP rs879629840, ClinGen allele CA287525646.

ClinVar aggregate classification (germline): Uncertain significance (1 of 4 stars; one submission).

Conditions:
Cone-rod dystrophy 6 (CORD6). Also called: RETINAL CONE DYSTROPHY 2; Cone dystrophy progressive. Identifiers: Orphanet 1872, MedGen C1866293, MONDO:0011143, OMIM 601777.
Leber congenital amaurosis 1 (LCA1). Also called: RETINAL BLINDNESS, CONGENITAL; AMAUROSIS CONGENITA OF LEBER I; Congenital absence of the rods and cones; Leber's congenital tapetoretinal degeneration; Leber's congenital tapetoretinal dysplasia. Identifiers: Orphanet 65, MedGen C2931258, MONDO:0008764, OMIM 204000.

Submission:

Labcorp Genetics (formerly Invitae), Labcorp
Classification: Uncertain significance for Leber congenital amaurosis 1; Cone-rod dystrophy 6. Last evaluated: 2022-11-01. Review status: criteria provided, single submitter. Criteria: Invitae Variant Classification Sherloc (09022015). Collection method: clinical testing. Allele origin: germline.
Comment: This variant, c.1525_1527del, results in the deletion of 1 amino acid(s) of the GUCY2D protein (p.Asp509del), but otherwise preserves the integrity of the reading frame. This variant is not present in population databases (gnomAD no frequency). This variant has not been reported in the literature in individuals affected with GUCY2D-related conditions. Experimental studies and prediction algorithms are not available or were not evaluated, and the functional significance of this variant is currently unknown. In summary, the available evidence is currently insufficient to determine the role of this variant in disease. Therefore, it has been classified as a Variant of Uncertain Significance.